The following is an entry in ClinVar:

NM_001352754.2(ARMC9):c.205G>A (p.Gly69Arg)

Gene: ARMC9 (armadillo repeat containing 9; plus strand). Cytogenetic location: 2q37.1.
Variant type: single nucleotide variant.
Coding change: c.205G>A on transcript NM_001352754.2 (MANE Select); coding-DNA position 205, G replaced by A.
Protein change: p.Gly69Arg; replaces glycine 69 with arginine.
Molecular consequence: missense variant. On other transcripts: non-coding transcript variant (1).
Genome position (GRCh38, 1-based): chr2:231,214,858, G>A. VCF-style: chr2-231214858-G-A. GRCh37 (hg19) VCF-style: chr2-232079571-G-A.
Other names: c.205G>A, p.Gly69Arg (NM_001271466.4, NM_001291656.2, NM_001352755.2 and 5 more transcripts); short protein forms G69R.
Identifiers: ClinVar variation 427930 (VCV000427930.42), dbSNP rs750247691, ClinGen allele CA2159877.

ClinVar aggregate classification (germline): Conflicting classifications of pathogenicity. Review status: criteria provided, conflicting classifications (1 of 4 stars). 5 submissions from 5 submitters: Likely pathogenic (1); Uncertain significance (1). 3 of the submissions do not count toward it. Last evaluated 2022-03-29.

Conditions:
Joubert syndrome 30. Identifiers: MedGen C4539937, MONDO:0033308, OMIM 617622.
ARMC9-related Joubert syndrome.
Joubert syndrome. Also called: Familial aplasia of the vermis; JOUBERT-BOLTSHAUSER SYNDROME. Identifiers: Orphanet 475, MedGen C5979921, MONDO:0018772.

Allele frequency attached by ClinVar (database versions not stated): ExAC 0.00002; gnomAD 0.00002; gnomAD exomes 0.00002 and 0.00003; TOPMed 0.00002.
gnomAD v4.1: 54 of 1,613,974 alleles (0.0033%); highest among the groups gnomAD compares: Non-Finnish European, 0.0044%; no homozygotes.

Submissions (5):

Labcorp Genetics (formerly Invitae), Labcorp
Classification: Uncertain significance. Last evaluated: 2022-03-29. Review status: criteria provided, single submitter. Criteria: Invitae Variant Classification Sherloc (09022015). Collection method: clinical testing. Allele origin: germline.
Comment: This sequence change replaces glycine with arginine at codon 69 of the ARMC9 protein (p.Gly69Arg). The glycine residue is moderately conserved and there is a moderate physicochemical difference between glycine and arginine. This variant is present in population databases (rs750247691, gnomAD 0.006%). This missense change has been observed in individual(s) with Joubert syndrome (PMID: 28625504). It has also been observed to segregate with disease in related individuals. ClinVar contains an entry for this variant (Variation ID: 427930). Experimental studies and prediction algorithms are not available or were not evaluated, and the functional significance of this variant is currently unknown. In summary, the available evidence is currently insufficient to determine the role of this variant in disease. Therefore, it has been classified as a Variant of Uncertain Significance.

CeGaT Center for Human Genetics Tuebingen
Classification: Likely pathogenic. Last evaluated: 2021-11-01. Review status: criteria provided, single submitter. Criteria: CeGaT Center For Human Genetics Tuebingen Variant Classification Criteria Version 2. Collection method: clinical testing. Allele origin: germline. Affected: yes. Observed: 2 variant alleles.

OMIM
Classification: Pathogenic for JOUBERT SYNDROME 30. Last evaluated: 2017-08-16. Review status: no assertion criteria provided. Collection method: literature only. Allele origin: germline. Not counted in ClinVar's aggregate classification.

UW Hindbrain Malformation Research Program, University of Washington
Classification: Pathogenic for ARMC9-related Joubert syndrome. Last evaluated: 2017-05-01. Review status: no assertion criteria provided. Collection method: research. Allele origin: paternal. Affected: yes. Not counted in ClinVar's aggregate classification.

University of Washington Center for Mendelian Genomics, University of Washington
Classification: Likely pathogenic for Joubert Syndrome. Review status: no assertion criteria provided. Collection method: research. Allele origin: inherited. Affected: yes. Not counted in ClinVar's aggregate classification.

Literature cited by the submitters: PubMed 28625504 (cited by 3 submitters).